The following is an entry in ClinVar:

NM_017951.5(SMPD4):c.1844C>T (p.Thr615Ile)

Gene: SMPD4 (sphingomyelin phosphodiesterase 4; minus strand). Cytogenetic location: 2q21.1.
Variant type: single nucleotide variant.
Coding change: c.1844C>T on transcript NM_017951.5 (MANE Select); coding-DNA position 1844, C replaced by T.
Protein change: p.Thr615Ile; replaces threonine 615 with isoleucine.
Molecular consequence: missense variant. On other transcripts: non-coding transcript variant (2).
Genome position (GRCh38, 1-based): chr2:130,153,751, G>A on the plus strand (C>T on the coding strand, the complement: SMPD4 is on the minus strand). VCF-style: chr2-130153751-G-A. GRCh37 (hg19) VCF-style: chr2-130911324-G-A.
Other names: c.1655C>T, p.Thr552Ile (NM_001171083.2); c.1874C>T, p.Thr625Ile (NM_017751.4); short protein forms T552I, T615I, T625I.
Identifiers: ClinVar variation 3370268 (VCV003370268.1).
Genomic context (GRCh38, chr2:130,153,751, plus strand): 5'-ATAGCTCGTACCCGGAATATCTGGCGCAGGTACTCCAGGGCCTTCTCCAGGTATTCATCT[G>A]TCTTCCGGACACTGTCTTGCCCCATCTCGTCCAGGTCGTTGGCTGTGTAGGAGCCATTGG-3'
Protein context (NP_060421.3, residues 605-625): DEMGQDSVRK[Thr615Ile]DEYLEKALEY

ClinVar aggregate classification (germline): Uncertain significance (1 of 4 stars; one submission).

gnomAD v4.1: 74 of 1,613,860 alleles (0.0046%); highest among the groups gnomAD compares: South Asian, 0.077%; no homozygotes.

Submission:

GeneDx
Classification: Uncertain significance. Last evaluated: 2023-12-27. Review status: criteria provided, single submitter. Criteria: GeneDx Variant Classification Process June 2021. Collection method: clinical testing. Allele origin: germline. Affected: yes.
Comment: In silico analysis supports that this missense variant has a deleterious effect on protein structure/function; Has not been previously published as pathogenic or benign to our knowledge